The following is an entry in ClinVar:

ClinVar aggregate classification (germline): Benign/Likely benign. Review status: criteria provided, multiple submitters, no conflicts (2 of 4 stars). 2 submissions from 2 submitters: Benign (1); Likely benign (1). Last evaluated 2026-09-18.

Conditions:
Colorectal cancer, hereditary nonpolyposis, type 7. Identifiers: Orphanet 144, MedGen C1858380, MONDO:0013725, OMIM 614385.

Submissions (2):

Myriad Genetics, Inc.
Classification: Benign for Colorectal cancer, hereditary nonpolyposis, type 7. Last evaluated: 2026-09-18. Review status: criteria provided, single submitter. Criteria: Myriad Autosomal Dominant, Autosomal Recessive and X-Linked Classification Criteria (2023). Collection method: clinical testing. Allele origin: unknown.
Comment: This variant is considered benign. This variant is a silent/synonymous amino acid change and it is not expected to impact splicing.

Ambry Genetics
Classification: Likely benign. Last evaluated: 2022-04-09. Review status: criteria provided, single submitter. Criteria: Ambry Variant Classification Scheme 2023. Collection method: clinical testing. Allele origin: germline.

NM_001040108.2(MLH3):c.198A>G (p.Val66=)

Gene: MLH3 (mutL homolog 3; minus strand). Cytogenetic location: 14q24.3.
Variant type: single nucleotide variant.
Coding change: c.198A>G on transcript NM_001040108.2 (MANE Select); coding-DNA position 198, A replaced by G.
Protein change: p.Val66=; no amino-acid change (valine 66 retained).
Molecular consequence: synonymous variant.
Genome position (GRCh38, 1-based): chr14:75,049,458, T>C on the plus strand (A>G on the coding strand, the complement: MLH3 is on the minus strand). VCF-style: chr14-75049458-T-C. GRCh37 (hg19) VCF-style: chr14-75516161-T-C.
Other names: c.198A>G, p.Val66= (NM_014381.3).
Identifiers: ClinVar variation 1783920 (VCV001783920.3), dbSNP rs2503334716, ClinGen allele CA487274396.